The following is an entry in ClinVar:

NM_024494.3(WNT2B):c.47G>A (p.Arg16Gln)

Genes: WNT2B (Wnt family member 2B; plus strand), LOC129931208 (ATAC-STARR-seq lymphoblastoid silent region 1200; plus strand), LOC122094899 (Sharpr-MPRA regulatory region 8072; plus strand). Cytogenetic location: 1p13.2.
Variant type: single nucleotide variant.
Coding change: c.47G>A on transcript NM_024494.3 (MANE Select); coding-DNA position 47, G replaced by A.
Protein change: p.Arg16Gln; replaces arginine 16 with glutamine.
Molecular consequence: missense variant. On other transcripts: intron variant (2).
Genome position (GRCh38, 1-based): chr1:112,509,309, G>A. VCF-style: chr1-112509309-G-A. GRCh37 (hg19) VCF-style: chr1-113051931-G-A.
Other names: c.126-5565G>A (NM_004185.4); c.-94-5565G>A (NM_001291880.1); short protein forms R16Q.
Identifiers: ClinVar variation 4780859 (VCV004780859.1).

ClinVar aggregate classification (germline): Uncertain significance (1 of 4 stars; one submission).

gnomAD v4.1: 2 of 1,563,500 alleles (0.00013%); highest among the groups gnomAD compares: Middle Eastern, 0.023%; no homozygotes.

Submission:

Labcorp Genetics (formerly Invitae), Labcorp
Classification: Uncertain significance. Last evaluated: 2025-08-03. Review status: criteria provided, single submitter. Criteria: Invitae Variant Classification Sherloc (09022015). Collection method: clinical testing. Allele origin: germline.
Comment: This sequence change replaces arginine, which is basic and polar, with glutamine, which is neutral and polar, at codon 16 of the WNT2B protein (p.Arg16Gln). This variant is not present in population databases (gnomAD no frequency). This variant has not been reported in the literature in individuals affected with WNT2B-related conditions. An algorithm developed to predict the effect of missense changes on protein structure and function (PolyPhen-2) suggests that this variant is likely to be tolerated. In summary, the available evidence is currently insufficient to determine the role of this variant in disease. Therefore, it has been classified as a Variant of Uncertain Significance.